The following is an entry in ClinVar:

NM_001271.4(CHD2):c.184A>C (p.Ser62Arg)

Gene: CHD2 (chromodomain helicase DNA binding protein 2; plus strand). Cytogenetic location: 15q26.1.
Variant type: single nucleotide variant.
Coding change: c.184A>C on transcript NM_001271.4 (MANE Select); coding-DNA position 184, A replaced by C.
Protein change: p.Ser62Arg; replaces serine 62 with arginine.
Molecular consequence: missense variant.
Genome position (GRCh38, 1-based): chr15:92,924,442, A>C. VCF-style: chr15-92924442-A-C. GRCh37 (hg19) VCF-style: chr15-93467672-A-C.
Other names: c.184A>C, p.Ser62Arg (NM_001042572.3); short protein forms S62R.
Identifiers: ClinVar variation 955780 (VCV000955780.8), dbSNP rs199670886, ClinGen allele CA7747453.

ClinVar aggregate classification (germline): Uncertain significance (1 of 4 stars; one submission).

Conditions:
Developmental and epileptic encephalopathy 94 (DEE94). Also called: CHD2-Related Neurodevelopmental Disorders; Epileptic encephalopathy, childhood-onset. Identifiers: Orphanet 1942, Orphanet 2382, MedGen C3809278, MONDO:0014150, OMIM 615369.

Allele frequency attached by ClinVar (database versions not stated): gnomAD exomes below 0.00001 and 0.00001; ExAC 0.00001; gnomAD 0.00002; TOPMed 0.00002; ESP Exome Variant Server 0.00008.
gnomAD v4.1: 6 of 1,614,038 alleles (0.00037%); highest among the groups gnomAD compares: African/African-American, 0.004%; no homozygotes.

Submission:

Labcorp Genetics (formerly Invitae), Labcorp
Classification: Uncertain significance for Developmental and epileptic encephalopathy 94. Last evaluated: 2024-04-30. Review status: criteria provided, single submitter. Criteria: Invitae Variant Classification Sherloc (09022015). Collection method: clinical testing. Allele origin: germline.
Comment: This sequence change replaces serine, which is neutral and polar, with arginine, which is basic and polar, at codon 62 of the CHD2 protein (p.Ser62Arg). This variant is present in population databases (rs199670886, gnomAD 0.007%). This variant has not been reported in the literature in individuals affected with CHD2-related conditions. ClinVar contains an entry for this variant (Variation ID: 955780). Advanced modeling of protein sequence and biophysical properties (such as structural, functional, and spatial information, amino acid conservation, physicochemical variation, residue mobility, and thermodynamic stability) performed at Invitae indicates that this missense variant is not expected to disrupt CHD2 protein function with a negative predictive value of 95%. In summary, the available evidence is currently insufficient to determine the role of this variant in disease. Therefore, it has been classified as a Variant of Uncertain Significance.